The following is an entry in ClinVar:

NM_002180.3(IGHMBP2):c.62G>T (p.Arg21Ile)

Gene: IGHMBP2 (immunoglobulin mu DNA binding protein 2; plus strand). Cytogenetic location: 11q13.3.
Variant type: single nucleotide variant.
Coding change: c.62G>T on transcript NM_002180.3 (MANE Select); coding-DNA position 62, G replaced by T.
Protein change: p.Arg21Ile; replaces arginine 21 with isoleucine.
Molecular consequence: missense variant.
Genome position (GRCh38, 1-based): chr11:68,904,014, G>T. VCF-style: chr11-68904014-G-T. GRCh37 (hg19) VCF-style: chr11-68671482-G-T.
Other names: short protein forms R21I.
Identifiers: ClinVar variation 5001883 (VCV005001883.1).

ClinVar aggregate classification (germline): Uncertain significance (1 of 4 stars; one submission).

Conditions:
IGHMBP2-related disorder. Also called: IGHMBP2-related condition; IGHMBP2-related disorders.

Submission:

PreventionGenetics, part of Exact Sciences
Classification: Uncertain significance for IGHMBP2-related condition. Last evaluated: 2026-06-18. Review status: criteria provided, single submitter. Criteria: ACMG Guidelines, 2015. Collection method: clinical testing. Allele origin: germline.
Comment: The IGHMBP2 c.62G>T variant is predicted to result in the amino acid substitution p.Arg21Ile. This variant has reported in an individual with Charcot-Marie-Tooth disease; however, additional clinical details and zygosity were not provided (Megarbane et al. 2021. PubMed ID: 34602496). This variant has not been reported in a large population database (gnomAD), indicating this variant is rare. At this time, the clinical significance of this variant is uncertain due to the absence of conclusive functional and genetic evidence.